The following is an entry in ClinVar:

NM_007294.4(BRCA1):c.7T>G (p.Leu3Val)

Gene: BRCA1 (BRCA1 DNA repair associated; minus strand). Cytogenetic location: 17q21.31.
Variant type: single nucleotide variant.
Coding change: c.7T>G on transcript NM_007294.4 (MANE Select); coding-DNA position 7, T replaced by G.
Protein change: p.Leu3Val; replaces leucine 3 with valine.
Molecular consequence: missense variant. On other transcripts: 5 prime UTR variant (1), non-coding transcript variant (1).
Genome position (GRCh38, 1-based): chr17:43,124,090, A>C on the plus strand (T>G on the coding strand, the complement: BRCA1 is on the minus strand). VCF-style: chr17-43124090-A-C. GRCh37 (hg19) VCF-style: chr17-41276107-A-C.
Other names: c.-254T>G (NM_001407752.1, NM_001407838.1, NM_001407847.1 and 22 more transcripts); c.-131T>G (NM_001407841.1); c.-251T>G (NM_001407842.1, NM_001407843.1, NM_001407930.1 and 11 more transcripts); c.-81T>G (NM_001407845.1, NM_001407849.1, NM_001407852.1 and 23 more transcripts); c.-280T>G (NM_001407846.1, NM_001407920.1, NM_001407697.1); c.-182T>G (NM_001407853.1, NM_001407879.1, NM_001407882.1 and 46 more transcripts); c.7T>G, p.Leu3Val (NM_001407854.1, NM_001407858.1, NM_001407859.1 and 193 more transcripts); c.-128T>G (NM_001407881.1, NM_001407898.1, NM_001407902.1); and 8 more; short protein forms L3V.
Identifiers: ClinVar variation 869064 (VCV000869064.3), dbSNP rs2055745032, ClinGen allele CA10602143.

Conditions:
Breast-ovarian cancer, familial, susceptibility to, 1 (BROVCA1). Also called: BRCA1 Hereditary Breast and Ovarian Cancer; OVARIAN CANCER, SUSCEPTIBILITY TO. Identifiers: Orphanet 145, MedGen C2676676, MONDO:0011450, OMIM 604370. Disease mechanism: loss of function.

Submission:

Brotman Baty Institute, University of Washington
No classification provided (evidence only). Condition: Breast-ovarian cancer, familial 1. Review status: no classification provided. Collection method: in vitro. Allele origin: not applicable. Functional consequence: functionally_normal.
ClinVar note: "not provided" was previously submitted as the classification for the variant. However, the classification appeared to be based only on an observation of functional data so it was converted to no classification on 2025-07-30.